The following is an entry in ClinVar:

ClinVar aggregate classification (germline): Uncertain significance. Review status: criteria provided, multiple submitters, no conflicts (2 of 4 stars). 3 submissions from 3 submitters: Uncertain significance (3). Last evaluated 2026-01-10.

Conditions:
Hereditary cancer-predisposing syndrome. Also called: Neoplastic Syndromes, Hereditary; Hereditary Cancer Syndrome; Hereditary neoplastic syndrome; Tumor predisposition. Identifiers: Orphanet 140162, MedGen C0027672, MeSH D009386, MONDO:0015356.
Gastrointestinal stromal tumor. Also called: Gastrointestinal stroma tumor; Gastrointestinal stromal tumor, somatic. Identifiers: Orphanet 44890, MedGen C0238198, MeSH D046152, MONDO:0011719, OMIM 606764, HP:0100723.

Allele frequency attached by ClinVar (database versions not stated): gnomAD 0.00001; gnomAD exomes below 0.00001; TOPMed below 0.00001.

Submissions (3):

Labcorp Genetics (formerly Invitae), Labcorp
Classification: Uncertain significance for Gastrointestinal stromal tumor. Last evaluated: 2026-01-10. Review status: criteria provided, single submitter. Criteria: Invitae Variant Classification Sherloc (09022015). Collection method: clinical testing. Allele origin: germline.
Comment: This sequence change replaces lysine, which is basic and polar, with arginine, which is basic and polar, at codon 94 of the KIT protein (p.Lys94Arg). This variant is present in population databases (no rsID available, gnomAD 0.0009%). This variant has not been reported in the literature in individuals affected with KIT-related conditions. ClinVar contains an entry for this variant (Variation ID: 409742). An algorithm developed to predict the effect of missense changes on protein structure and function outputs the following: PolyPhen-2: "Benign". The arginine amino acid residue is found in multiple mammalian species, which suggests that this missense change does not adversely affect protein function. In summary, the available evidence is currently insufficient to determine the role of this variant in disease. Therefore, it has been classified as a Variant of Uncertain Significance.

Ambry Genetics
Classification: Uncertain significance for Hereditary cancer-predisposing syndrome. Last evaluated: 2025-04-16. Review status: criteria provided, single submitter. Criteria: Ambry Variant Classification Scheme 2023. Collection method: clinical testing. Allele origin: germline.
Comment: The p.K94R variant (also known as c.281A>G), located in coding exon 2 of the KIT gene, results from an A to G substitution at nucleotide position 281. The lysine at codon 94 is replaced by arginine, an amino acid with highly similar properties. This amino acid position is poorly conserved in available vertebrate species. In addition, this alteration is predicted to be tolerated by in silico analysis. Since supporting evidence is limited at this time, the clinical significance of this alteration remains unclear.

GeneDx
Classification: Uncertain significance. Last evaluated: 2024-04-01. Review status: criteria provided, single submitter. Criteria: GeneDx Variant Classification Process June 2021. Collection method: clinical testing. Allele origin: germline. Affected: yes.
Comment: Not observed at significant frequency in large population cohorts (gnomAD); In silico analysis supports that this missense variant does not alter protein structure/function; Has not been previously published as pathogenic or benign to our knowledge

NM_000222.3(KIT):c.281A>G (p.Lys94Arg)

Gene: KIT (KIT proto-oncogene, receptor tyrosine kinase; plus strand). Cytogenetic location: 4q12.
Variant type: single nucleotide variant.
Coding change: c.281A>G on transcript NM_000222.3 (MANE Select); coding-DNA position 281, A replaced by G.
Protein change: p.Lys94Arg; replaces lysine 94 with arginine.
Molecular consequence: missense variant.
Genome position (GRCh38, 1-based): chr4:54,695,725, A>G. VCF-style: chr4-54695725-A-G. GRCh37 (hg19) VCF-style: chr4-55561891-A-G.
Other names: c.281A>G, p.Lys94Arg (NM_001093772.2, NM_001385284.1, NM_001385285.1 and 4 more transcripts); short protein forms K94R.
Identifiers: ClinVar variation 409742 (VCV000409742.15), dbSNP rs904550523, ClinGen allele CA16611517.